The following is an entry in ClinVar:

NM_000368.5(TSC1):c.3313G>A (p.Asp1105Asn)

Gene: TSC1 (TSC complex subunit 1; minus strand). Cytogenetic location: 9q34.13.
Variant type: single nucleotide variant.
Coding change: c.3313G>A on transcript NM_000368.5 (MANE Select); coding-DNA position 3313, G replaced by A.
Protein change: p.Asp1105Asn; replaces aspartic acid 1105 with asparagine.
Molecular consequence: missense variant. On other transcripts: non-coding transcript variant (5).
Genome position (GRCh38, 1-based): chr9:132,896,417, C>T on the plus strand (G>A on the coding strand, the complement: TSC1 is on the minus strand). VCF-style: chr9-132896417-C-T. GRCh37 (hg19) VCF-style: chr9-135771804-C-T.
Other names: c.2905G>A, p.Asp969Asn (NM_001406625.1); c.2362G>A, p.Asp788Asn (NM_001406626.1); c.2359G>A, p.Asp787Asn (NM_001406627.1, NM_001406628.1); c.2260G>A, p.Asp754Asn (NM_001406629.1, NM_001406630.1); c.3310G>A, p.Asp1104Asn (NM_001162426.2, NM_001406597.1, NM_001406598.1 and 2 more transcripts); c.3160G>A, p.Asp1054Asn (NM_001162427.2, NM_001406610.1); c.2950G>A, p.Asp984Asn (NM_001362177.2, NM_001406614.1, NM_001406615.1 and 4 more transcripts); c.3313G>A, p.Asp1105Asn (NM_001406592.1, NM_001406593.1, NM_001406594.1 and 2 more transcripts); and 8 more; short protein forms D1039N, D1054N, D1091N, D754N, D970N, D984N, D787N, D788N.
Identifiers: ClinVar variation 5031186 (VCV005031186.1).
Genomic context (GRCh38, chr9:132,896,417, plus strand): 5'-AGTCTTTGCCCAGTTCTGTCTTTAGGCTCTCAGAAAGGCTACTGGTCATGCCGTCCTCAT[C>T]ACACTGGCTCTCGCTCTTATTACGAAATAACTCTCGAGCCTTCATACCCAGGAAGCTTTT-3'
Protein context (NP_000359.1, residues 1095-1115): LFRNKSESQC[Asp1105Asn]EDGMTSSLSE

ClinVar aggregate classification (germline): Uncertain significance (1 of 4 stars; one submission).

Conditions:
Hereditary cancer-predisposing syndrome. Also called: Neoplastic Syndromes, Hereditary; Tumor predisposition; Hereditary neoplastic syndrome; Hereditary Cancer Syndrome. Identifiers: Orphanet 140162, MedGen C0027672, MeSH D009386, MONDO:0015356.

gnomAD v4.1: 1 of 1,614,240 alleles (0.000062%); highest among the groups gnomAD compares: Non-Finnish European, 0.000085%; no homozygotes.

Submission:

Ambry Genetics
Classification: Uncertain significance for Hereditary cancer-predisposing syndrome. Last evaluated: 2026-08-05. Review status: criteria provided, single submitter. Criteria: Ambry Variant Classification Scheme 2023. Collection method: clinical testing. Allele origin: germline.
Comment: The p.D1105N variant (also known as c.3313G>A), located in coding exon 21 of the TSC1 gene, results from a G to A substitution at nucleotide position 3313. The aspartic acid at codon 1105 is replaced by asparagine, an amino acid with highly similar properties. This amino acid position is highly conserved in available vertebrate species. In addition, this alteration is predicted to be tolerated by in silico analysis. Based on the available evidence, the clinical significance of this variant remains unclear.